The following is an entry in ClinVar:

NM_000397.4(CYBB):c.1272G>A (p.Trp424Ter)

Gene: CYBB (cytochrome b-245 beta chain; plus strand). Cytogenetic location: Xp11.4.
Variant type: single nucleotide variant.
Coding change: c.1272G>A on transcript NM_000397.4 (MANE Select); coding-DNA position 1272, G replaced by A.
Protein change: p.Trp424Ter; replaces tryptophan 424 with a stop codon.
Molecular consequence: nonsense.
Genome position (GRCh38, 1-based): chrX:37,805,126, G>A. VCF-style: chrX-37805126-G-A. GRCh37 (hg19) VCF-style: chrX-37664379-G-A.
Other names: short protein forms W424*.
Identifiers: ClinVar variation 279797 (VCV000279797.2), dbSNP rs886041195, ClinGen allele CA10603479.

ClinVar aggregate classification (germline): Pathogenic (1 of 4 stars; one submission).

Submission:

GeneDx
Classification: Pathogenic. Last evaluated: 2018-10-25. Review status: criteria provided, single submitter. Criteria: GeneDx Variant Classification (06012015). Collection method: clinical testing. Allele origin: germline. Affected: yes.
Comment: The W424X nonsense variant in the CYBB gene has been reported previously in association with X-linked chronic granulomatous disease (CGD) (Teimourian et al., 2008; Ko et al., 2014). This pathogenic variant is predicted to cause loss of normal protein function either through protein truncation or nonsense-mediated mRNA decay. The variant was not observed in approximately 6,500 individuals of European and African American ancestry in the NHLBI Exome Sequencing Project, indicating it is not a common benign variant in these populations.